The following is an entry in ClinVar:

NM_176787.5(PIGN):c.1778T>A (p.Leu593Gln)

Genes: PIGN (phosphatidylinositol glycan anchor biosynthesis class N; minus strand), LOC132090497 (Neanderthal introgressed variant-containing enhancer experimental_48690; plus strand). Cytogenetic location: 18q21.33.
Variant type: single nucleotide variant.
Coding change: c.1778T>A on transcript NM_176787.5 (MANE Select); coding-DNA position 1778, T replaced by A.
Protein change: p.Leu593Gln; replaces leucine 593 with glutamine.
Molecular consequence: missense variant.
Genome position (GRCh38, 1-based): chr18:62,105,624, A>T on the plus strand (T>A on the coding strand, the complement: PIGN is on the minus strand). VCF-style: chr18-62105624-A-T. GRCh37 (hg19) VCF-style: chr18-59772857-A-T.
Other names: c.1778T>A, p.Leu593Gln (NM_012327.6); short protein forms L593Q.
Identifiers: ClinVar variation 2155739 (VCV002155739.3), dbSNP rs761434115, ClinGen allele CA8982169.

ClinVar aggregate classification (germline): Uncertain significance (1 of 4 stars; one submission).

Conditions:
Multiple congenital anomalies-hypotonia-seizures syndrome 1 (MCAHS1). Also called: Congenital disorder of glycosylation due to PIGN deficiency; GLYCOSYLPHOSPHATIDYLINOSITOL BIOSYNTHESIS DEFECT 3; PIGN-CDG. Identifiers: Orphanet 280633, MedGen C3279775, MONDO:0013563, OMIM 614080.

Allele frequency attached by ClinVar (database versions not stated): gnomAD exomes below 0.00001; ExAC 0.00004.
gnomAD v4.1: 2 of 1,541,856 alleles (0.00013%); highest among the groups gnomAD compares: South Asian, 0.0024%; no homozygotes.

Submission:

Labcorp Genetics (formerly Invitae), Labcorp
Classification: Uncertain significance for Multiple congenital anomalies-hypotonia-seizures syndrome 1. Last evaluated: 2024-08-30. Review status: criteria provided, single submitter. Criteria: Invitae Variant Classification Sherloc (09022015). Collection method: clinical testing. Allele origin: germline.
Comment: This sequence change replaces leucine, which is neutral and non-polar, with glutamine, which is neutral and polar, at codon 593 of the PIGN protein (p.Leu593Gln). This variant is present in population databases (rs761434115, gnomAD 0.005%). This variant has not been reported in the literature in individuals affected with PIGN-related conditions. ClinVar contains an entry for this variant (Variation ID: 2155739). Invitae Evidence Modeling of protein sequence and biophysical properties (such as structural, functional, and spatial information, amino acid conservation, physicochemical variation, residue mobility, and thermodynamic stability) indicates that this missense variant is expected to disrupt PIGN protein function with a positive predictive value of 80%. In summary, the available evidence is currently insufficient to determine the role of this variant in disease. Therefore, it has been classified as a Variant of Uncertain Significance.